The following is an entry in ClinVar:

NM_002830.4(PTPN4):c.715G>A (p.Gly239Arg)

Gene: PTPN4 (protein tyrosine phosphatase non-receptor type 4; plus strand). Cytogenetic location: 2q14.2.
Variant type: single nucleotide variant.
Coding change: c.715G>A on transcript NM_002830.4 (MANE Select); coding-DNA position 715, G replaced by A.
Protein change: p.Gly239Arg; replaces glycine 239 with arginine.
Molecular consequence: missense variant.
Genome position (GRCh38, 1-based): chr2:119,900,757, G>A. VCF-style: chr2-119900757-G-A. GRCh37 (hg19) VCF-style: chr2-120658333-G-A.
Other names: short protein forms G239R.
Identifiers: ClinVar variation 984726 (VCV000984726.1), dbSNP rs1678390512, ClinGen allele CA348191725.

ClinVar aggregate classification (germline): Uncertain significance (1 of 4 stars; one submission).

Submission:

GeneDx
Classification: Uncertain significance. Last evaluated: 2020-11-04. Review status: criteria provided, single submitter. Criteria: GeneDx Variant Classification (06012015). Collection method: clinical testing. Allele origin: germline. Affected: yes.
Comment: â€¢ Observed as a de novo variant in internal GeneDx whole exome sequencing data in association with developmental delay, short stature, congenital heart defects, and skeletal anomalies â€¢ Frameshift variant predicted to result in protein truncation or nonsense mediated decay in a gene for which loss-of-function is not a known mechanism of disease â€¢ Not observed in large population cohorts (Lek et al., 2016) â€¢ Variants in candidate genes are classified as variants of uncertain significance in accordance with ACMG guidelines (Richards et al., 2015) â€¢ We interpret c.393_396delACAA as a variant of uncertain significance